The following is an entry in ClinVar:

ClinVar aggregate classification (germline): Pathogenic/Likely pathogenic. Review status: criteria provided, multiple submitters, no conflicts (2 of 4 stars). 7 submissions from 7 submitters: Pathogenic (5); Likely pathogenic (1). 1 of the submissions does not count toward it. Last evaluated 2025-06-17.

Conditions:
Sjögren-Larsson syndrome (SLS). Also called: FALDH DEFICIENCY; FATTY ALCOHOL:NAD+ OXIDOREDUCTASE DEFICIENCY; FATTY ALDEHYDE DEHYDROGENASE DEFICIENCY; ICHTHYOSIS, SPASTIC NEUROLOGIC DISORDER, AND OLIGOPHRENIA. Identifiers: Orphanet 816, MedGen C0037231, MONDO:0010031, OMIM 270200.

Allele frequency attached by ClinVar (database versions not stated): TOPMed 0.00001; gnomAD exomes 0.00006.
gnomAD v4.1: 19 of 1,614,022 alleles (0.0012%); highest among the groups gnomAD compares: Admixed American, 0.028%; no homozygotes.

Submissions (7):

Natera, Inc.
Classification: Pathogenic for Sjögren-Larsson syndrome. Last evaluated: 2025-06-17. Review status: criteria provided, single submitter. Criteria: Natera Variant Classification Schema (03/2026). Collection method: clinical testing. Allele origin: germline.
Comment: The c.529C>T variant in ALDH3A2 is a nonsense variant predicted to introduce a stop codon at amino acid 177. This variant is expected to result in nonsense mediated decay, truncation, or a dysfunctional protein product. This variant is rare in the general population with a frequency below the threshold expected for the associated phenotype(s). This variant has been observed in one or more individuals affected with the associated recessive disease, as either homozygous or compound heterozygous with a second variant (PMID: 32180488). Given the available evidence, this variant is classified as Pathogenic.

Labcorp Genetics (formerly Invitae), Labcorp
Classification: Pathogenic. Last evaluated: 2025-02-01. Review status: criteria provided, single submitter. Criteria: Invitae Variant Classification Sherloc (09022015). Collection method: clinical testing. Allele origin: germline.
Comment: This sequence change creates a premature translational stop signal (p.Arg177*) in the ALDH3A2 gene. It is expected to result in an absent or disrupted protein product. Loss-of-function variants in ALDH3A2 are known to be pathogenic (PMID: 10577908, 10854114). This variant is present in population databases (rs72547561, gnomAD 0.04%). This premature translational stop signal has been observed in individual(s) with Sjögren-Larsson syndrome (PMID: 15241804). ClinVar contains an entry for this variant (Variation ID: 265027). For these reasons, this variant has been classified as Pathogenic.

GeneDx
Classification: Pathogenic. Last evaluated: 2021-12-09. Review status: criteria provided, single submitter. Criteria: GeneDx Variant Classification Process June 2021. Collection method: clinical testing. Allele origin: germline. Affected: yes.
Comment: Nonsense variant predicted to result in protein truncation or nonsense mediated decay in a gene for which loss-of-function is a known mechanism of disease; This variant is associated with the following publications: (PMID: 25525159, 15241804, 28025403, 32180488)

Women's Health and Genetics/Laboratory Corporation of America, LabCorp
Classification: Pathogenic for SjÃ¶gren-Larsson syndrome. Last evaluated: 2018-09-03. Review status: criteria provided, single submitter. Criteria: LabCorp Variant Classification Summary - May 2015. Collection method: clinical testing. Allele origin: germline.
Comment: Variant summary: ALDH3A2 c.529C>T (p.Arg177X) results in a premature termination codon, predicted to cause a truncation of the encoded protein or absence of the protein due to nonsense mediated decay, which are commonly known mechanisms for disease. A truncation downstream of this position has been classified as pathogenic by our laboratory (eg. c.1291_1292delAA (p.Lys431fsX5)). The variant allele was found at a frequency of 5.7e-05 in 246266 control chromosomes (gnomAD). This frequency is not significantly higher than expected for a pathogenic variant in ALDH3A2 causing Sjogren-Larsson Syndrome (5.7e-05 vs 0.0018), allowing no conclusion about variant significance. c.529C>T has been reported in the literature in individuals affected with Sjogren-Larsson Syndrome, in one case the patient was reported to have <10% enzyme activity (Carney_2004, Nagappa_2017). Four ClinVar submissions from other clinical diagnostic laboratories (evaluation after 2014) cite the variant as pathogenic (3x) and once as uncertain significance. Based on the evidence outlined above, the variant was classified as pathogenic.

Illumina Laboratory Services, Illumina
Classification: Likely pathogenic for Sjögren-Larsson syndrome. Last evaluated: 2017-05-04. Review status: criteria provided, single submitter. Criteria: ICSL Variant Classification Criteria 09 May 2019. Collection method: clinical testing. Allele origin: germline.
Comment: The ALDH3A2 c.529C>T (p.Arg177Ter) variant is a stop-gained variant that has been reported in a compound heterozygous state with a second truncating variant in two unrelated individuals with Sjogren-Larsson syndrome (SLS), and in a heterozygous state in the unaffected father of one of the individuals (Carney et al. 2004; Nagappa et al. 2016). Control data are unavailable for the p.Arg177Ter variant, which is reported at a frequency of 0.00042 in the Latino population of the Genome Aggregation Database. FALDH activity in cultured skin fibroblasts from one of the individuals was 4% that of normal fibroblasts (Carney et al. 2004). Based on the evidence from the literature and the potential impact of stop-gained variants, the p.Arg177Ter variant is classified as likely pathogenic for Sjogren-Larsson syndrome. This variant was observed by ICSL as part of a predisposition screen in an ostensibly healthy population.

Eurofins Ntd Llc (ga)
Classification: Pathogenic. Last evaluated: 2016-02-17. Review status: criteria provided, single submitter. Criteria: EGL Classification Definitions 2015. Collection method: clinical testing. Allele origin: germline. Observed: 1 variant allele, 1 heterozygote.

Counsyl
Classification: Pathogenic for Sjögren-Larsson syndrome. Last evaluated: 2017-12-04. Review status: no assertion criteria provided. Collection method: clinical testing. Allele origin: unknown. Not counted in ClinVar's aggregate classification.

Literature cited by the submitters: PubMed 32180488 (cited by Natera, Inc.); PubMed 10577908 (cited by Labcorp Genetics (formerly Invitae), Labcorp); PubMed 10854114 (cited by Labcorp Genetics (formerly Invitae), Labcorp); PubMed 15241804 (cited by 4 submitters); PubMed 28025403 (cited by 3 submitters).

NM_000382.3(ALDH3A2):c.529C>T (p.Arg177Ter)

Gene: ALDH3A2 (aldehyde dehydrogenase 3 family member A2; plus strand). Cytogenetic location: 17p11.2.
Variant type: single nucleotide variant.
Coding change: c.529C>T on transcript NM_000382.3 (MANE Select); coding-DNA position 529, C replaced by T.
Protein change: p.Arg177Ter; replaces arginine 177 with a stop codon.
Molecular consequence: nonsense. On other transcripts: 5 prime UTR variant (1).
Genome position (GRCh38, 1-based): chr17:19,656,423, C>T. VCF-style: chr17-19656423-C-T. GRCh37 (hg19) VCF-style: chr17-19559736-C-T.
Other names: c.529C>T, p.Arg177Ter (NM_001031806.2, NM_001369136.1, NM_001369137.2 and 3 more transcripts); c.-51C>T (NM_001369148.2); short protein forms R177*.
Identifiers: ClinVar variation 265027 (VCV000265027.24), dbSNP rs72547561, ClinGen allele CA8442844.
Genomic context (GRCh38, chr17:19,656,423, plus strand): 5'-GAGGATCTCTATATTGTTATTAATGGTGGTGTTGAGGAAACCACGGAGCTCCTGAAGCAG[C>T]GATTTGACCACATTTTCTATACGGGAAACACTGCGGTTGGCAAAATTGTCATGGAAGCTG-3'